The following is an entry in ClinVar:

ClinVar aggregate classification (germline): Conflicting classifications of pathogenicity. Review status: criteria provided, conflicting classifications (1 of 4 stars). 2 submissions from 2 submitters: Uncertain significance (1); Likely benign (1). Last evaluated 2023-01-01.

Submissions (2):

CeGaT Center for Human Genetics Tuebingen
Classification: Likely benign. Last evaluated: 2023-01-01. Review status: criteria provided, single submitter. Criteria: CeGaT Center For Human Genetics Tuebingen Variant Classification Criteria Version 2. Collection method: clinical testing. Allele origin: germline. Affected: yes. Observed: 1 variant allele.
Comment: HR: BS2

Breakthrough Genomics
Classification: Uncertain significance. Review status: criteria provided, single submitter. Criteria: ACMG Guidelines, 2015. Collection method: not provided. Allele origin: germline. Inheritance: Autosomal recessive inheritance. Affected: yes.

NM_005144.5(HR):c.-579CCGCCGCGCTCT[3]

Genes: HR (HR lysine demethylase and nuclear receptor corepressor; minus strand), HRURF (HR upstream open reading frame; minus strand). Cytogenetic location: 8p21.3.
Variant type: Microsatellite.
Coding change: c.-579CCGCCGCGCTCT[3] on transcript NM_005144.5 (MANE Select); three copies in a row of the 12-base unit CCGCCGCGCTCT starting at c.-579.
Molecular consequence: 5 prime UTR variant.
Genome position: GRCh38 VCF-style: chr8-22130954-T-TAGAGCGCGGCGGAGAGCGCGGCGG. GRCh37 (hg19) VCF-style: chr8-21988467-T-TAGAGCGCGGCGGAGAGCGCGGCGG.
Other names: c.-258CCGCCGCGCTCT[3] (NM_001394132.1); c.-579CCGCCGCGCTCT[3] (NM_018411.4).
Identifiers: ClinVar variation 362541 (VCV000362541.30), dbSNP rs568964531, ClinGen allele CA10625151.